The following is an entry in ClinVar:

NM_016507.4(CDK12):c.1754C>T (p.Pro585Leu)

Gene: CDK12 (cyclin dependent kinase 12; plus strand). Cytogenetic location: 17q12.
Variant type: single nucleotide variant.
Coding change: c.1754C>T on transcript NM_016507.4 (MANE Select); coding-DNA position 1754, C replaced by T.
Protein change: p.Pro585Leu; replaces proline 585 with leucine.
Molecular consequence: missense variant.
Genome position (GRCh38, 1-based): chr17:39,471,586, C>T. VCF-style: chr17-39471586-C-T. GRCh37 (hg19) VCF-style: chr17-37627839-C-T.
Other names: c.1754C>T, p.Pro585Leu (NM_015083.4); short protein forms P585L.
Identifiers: ClinVar variation 3489372 (VCV003489372.1).

ClinVar aggregate classification (germline): Uncertain significance (1 of 4 stars; one submission).

gnomAD v4.1: 7 of 1,614,002 alleles (0.00043%); highest among the groups gnomAD compares: Non-Finnish European, 0.000085%; no homozygotes.

Submission:

Ambry Genetics
Classification: Uncertain significance. Last evaluated: 2024-12-07. Review status: criteria provided, single submitter. Criteria: Ambry Variant Classification Scheme 2023. Collection method: clinical testing. Allele origin: germline.
Comment: The p.P585L variant (also known as c.1754C>T), located in coding exon 2 of the CDK12 gene, results from a C to T substitution at nucleotide position 1754. The proline at codon 585 is replaced by leucine, an amino acid with similar properties. This amino acid position is conserved. In addition, this alteration is predicted to be tolerated by in silico analysis. Based on the available evidence, the clinical significance of this variant remains unclear.